The following is an entry in ClinVar:

ClinVar aggregate classification (germline): Benign. Review status: criteria provided, multiple submitters, no conflicts (2 of 4 stars). 3 submissions from 3 submitters: Benign (3). Last evaluated 2026-10-01.

Conditions:
Inborn genetic diseases. Identifiers: MedGen C0950123, MeSH D030342.

Allele frequency attached by ClinVar (database versions not stated): gnomAD exomes 0.00679 and 0.00811; ExAC 0.01065; 1000 Genomes Project 0.00040; 1000 Genomes Project 30x 0.00172; TOPMed 0.00454; gnomAD 0.00490 and 0.00492.

Submissions (3):

CeGaT Center for Human Genetics Tuebingen
Classification: Benign. Last evaluated: 2026-10-01. Review status: criteria provided, single submitter. Criteria: CeGaT Center For Human Genetics Tuebingen Variant Classification Criteria Version 2. Collection method: clinical testing. Allele origin: germline. Affected: yes. Observed: 53 variant alleles.
Comment: SHANK3: BP4, BP7, BS1, BS2

GeneDx
Classification: Benign. Last evaluated: 2018-12-21. Review status: criteria provided, single submitter. Criteria: GeneDx Variant Classification Process June 2021. Collection method: clinical testing. Allele origin: germline. Affected: yes.

Ambry Genetics
Classification: Benign for Inborn genetic diseases. Last evaluated: 2016-09-23. Review status: criteria provided, single submitter. Criteria: Ambry Variant Classification Scheme 2023. Collection method: clinical testing. Allele origin: germline.

NM_001372044.2(SHANK3):c.5172C>T (p.Pro1724=)

Gene: SHANK3 (SH3 and multiple ankyrin repeat domains 3; plus strand). Cytogenetic location: 22q13.33.
Variant type: single nucleotide variant.
Coding change: c.5172C>T on transcript NM_001372044.2 (MANE Select); coding-DNA position 5172, C replaced by T.
Protein change: p.Pro1724=; no amino-acid change (proline 1724 retained).
Molecular consequence: synonymous variant.
Genome position (GRCh38, 1-based): chr22:50,731,063, C>T. VCF-style: chr22-50731063-C-T. GRCh37 (hg19) VCF-style: chr22-51169491-C-T.
Other names: c.4947C>T, p.Pro1649= (NM_033517.1).
Identifiers: ClinVar variation 588394 (VCV000588394.41), dbSNP rs557669600, ClinGen allele CA10326348.